The following is an entry in ClinVar:

NM_001267550.2(TTN):c.68449C>A (p.Arg22817=)

Genes: TTN-AS1 (TTN antisense RNA 1; plus strand), TTN (titin; minus strand). Cytogenetic location: 2q31.2.
Variant type: single nucleotide variant.
Coding change: c.68449C>A on transcript NM_001267550.2 (MANE Select); coding-DNA position 68449, C replaced by A.
Protein change: p.Arg22817=; no amino-acid change (arginine 22817 retained).
Molecular consequence: synonymous variant.
Genome position (GRCh38, 1-based): chr2:178,578,066, G>T on the plus strand (C>A on the coding strand, the complement: TTN is on the minus strand). VCF-style: chr2-178578066-G-T. GRCh37 (hg19) VCF-style: chr2-179442793-G-T.
Other names: c.63526C>A, p.Arg21176= (NM_001256850.1); c.60745C>A, p.Arg20249= (NM_133378.4); c.41254C>A, p.Arg13752= (NM_003319.4); c.41629C>A, p.Arg13877= (NM_133432.3); c.41830C>A, p.Arg13944= (NM_133437.4).
Identifiers: ClinVar variation 228132 (VCV000228132.18), dbSNP rs371678190, ClinGen allele CA1991105.

ClinVar aggregate classification (germline): Conflicting classifications of pathogenicity. Review status: criteria provided, conflicting classifications (1 of 4 stars). 7 submissions from 7 submitters: Uncertain significance (1); Likely benign (6). Last evaluated 2025-12-01.

Conditions:
TTN-related disorder. Also called: TTN-related condition; TTN-related disease; TTN-related disorders.
Cardiovascular phenotype. Identifiers: MedGen CN230736.
Autosomal recessive limb-girdle muscular dystrophy type 2J (LGMDR10). Also called: Limb-girdle muscular dystrophy, type 2J; MUSCULAR DYSTROPHY, LIMB-GIRDLE, AUTOSOMAL RECESSIVE 10. Identifiers: Orphanet 140922, MedGen C1837342, MONDO:0012127, OMIM 608807.
Dilated cardiomyopathy 1G (CMD1G). Identifiers: Orphanet 154, MedGen C1858763, MONDO:0011400, OMIM 604145.
Cardiomyopathy (CMYO). Also called: Cardiomyopathies. Identifiers: Orphanet 167848, MedGen C0878544, MONDO:0004994, HP:0001638. Inheritance: Various modes of inheritance.

Allele frequency attached by ClinVar (database versions not stated): ExAC 0.00003; gnomAD 0.00003; TOPMed 0.00006; ESP Exome Variant Server 0.00008; 1000 Genomes Project 0.00020; 1000 Genomes Project 30x 0.00031.
gnomAD v4.1: 290 of 1,613,156 alleles (0.018%); highest among the groups gnomAD compares: Non-Finnish European, 0.024%; no homozygotes.

Submissions (7):

CeGaT Center for Human Genetics Tuebingen
Classification: Likely benign. Last evaluated: 2025-12-01. Review status: criteria provided, single submitter. Criteria: CeGaT Center For Human Genetics Tuebingen Variant Classification Criteria Version 2. Collection method: clinical testing. Allele origin: germline. Affected: yes. Observed: 1 variant allele.
Comment: TTN: BP4, BP7

PreventionGenetics, part of Exact Sciences
Classification: Likely benign for TTN-related condition. Last evaluated: 2025-05-21. Review status: criteria provided, single submitter. Criteria: ACMG Guidelines, 2015. Collection method: clinical testing. Allele origin: germline.
Comment: This variant is classified as likely benign based on ACMG/AMP sequence variant interpretation guidelines (Richards et al. 2015 PMID: 25741868, with internal and published modifications).

Ambry Genetics
Classification: Likely benign for Cardiovascular phenotype. Last evaluated: 2021-12-17. Review status: criteria provided, single submitter. Criteria: Ambry Variant Classification Scheme 2023. Collection method: clinical testing. Allele origin: germline.

GeneDx
Classification: Likely benign. Last evaluated: 2018-09-21. Review status: criteria provided, single submitter. Criteria: GeneDx Variant Classification Process June 2021. Collection method: clinical testing. Allele origin: germline. Affected: yes.

Labcorp Genetics (formerly Invitae), Labcorp
Classification: Uncertain significance for Dilated cardiomyopathy 1G; Autosomal recessive limb-girdle muscular dystrophy type 2J. Last evaluated: 2017-09-22. Review status: criteria provided, single submitter. Criteria: Invitae Variant Classification Sherloc (09022015). Collection method: clinical testing. Allele origin: germline.

CHEO Genetics Diagnostic Laboratory, Children's Hospital of Eastern Ontario
Classification: Likely benign for Cardiomyopathy. Last evaluated: 2016-12-07. Review status: criteria provided, single submitter. Criteria: ACMG Guidelines, 2015. Collection method: clinical testing. Allele origin: germline. Study: Canadian Open Genetics Repository.

Laboratory for Molecular Medicine, Mass General Brigham Personalized Medicine
Classification: Likely benign. Last evaluated: 2012-03-19. Review status: criteria provided, single submitter. Criteria: LMM Criteria. Collection method: clinical testing. Allele origin: germline. Observed: 1 variant allele.
Comment: p.Arg20249Arg in Exon 271 of TTN: This variant is not expected to have clinical significance because it does not alter an amino acid residue, is not located wit hin the splice consensus sequence. It has been identified in 1/6648 European Ame rican chromosomes from a broad population by the NHLBI Exome Sequencing Project.